The following is an entry in ClinVar:

ClinVar aggregate classification (germline): Uncertain significance. Review status: criteria provided, multiple submitters, no conflicts (2 of 4 stars). 3 submissions from 3 submitters: Uncertain significance (3). Last evaluated 2025-11-10.

Conditions:
Inborn genetic diseases. Identifiers: MedGen C0950123, MeSH D030342.

Allele frequency attached by ClinVar (database versions not stated): gnomAD exomes below 0.00001; ExAC 0.00001; gnomAD 0.00001; TOPMed 0.00001.
gnomAD v4.1: 3 of 1,613,318 alleles (0.00019%); highest among the groups gnomAD compares: African/African-American, 0.0027%; no homozygotes.

Submissions (3):

Labcorp Genetics (formerly Invitae), Labcorp
Classification: Uncertain significance. Last evaluated: 2025-11-10. Review status: criteria provided, single submitter. Criteria: Invitae Variant Classification Sherloc (09022015). Collection method: clinical testing. Allele origin: germline.
Comment: This sequence change replaces valine, which is neutral and non-polar, with alanine, which is neutral and non-polar, at codon 932 of the RAI1 protein (p.Val932Ala). This variant is not present in population databases (gnomAD no frequency). This variant has not been reported in the literature in individuals affected with RAI1-related conditions. ClinVar contains an entry for this variant (Variation ID: 2896670). Invitae Evidence Modeling of protein sequence and biophysical properties (such as structural, functional, and spatial information, amino acid conservation, physicochemical variation, residue mobility, and thermodynamic stability) indicates that this missense variant is expected to disrupt RAI1 protein function with a positive predictive value of 80%. In summary, the available evidence is currently insufficient to determine the role of this variant in disease. Therefore, it has been classified as a Variant of Uncertain Significance.

Ambry Genetics
Classification: Uncertain significance for Inborn genetic diseases. Last evaluated: 2025-08-30. Review status: criteria provided, single submitter. Criteria: Ambry Variant Classification Scheme 2023. Collection method: clinical testing. Allele origin: germline.

Blueprint Genetics
Classification: Uncertain significance. Last evaluated: 2018-10-08. Review status: criteria provided, single submitter. Criteria: ACMG Guidelines, 2015. Collection method: clinical testing. Allele origin: germline.

NM_030665.4(RAI1):c.2795T>C (p.Val932Ala)

Gene: RAI1 (retinoic acid induced 1; plus strand). Cytogenetic location: 17p11.2.
Variant type: single nucleotide variant.
Coding change: c.2795T>C on transcript NM_030665.4 (MANE Select); coding-DNA position 2795, T replaced by C.
Protein change: p.Val932Ala; replaces valine 932 with alanine.
Molecular consequence: missense variant.
Genome position (GRCh38, 1-based): chr17:17,795,743, T>C. VCF-style: chr17-17795743-T-C. GRCh37 (hg19) VCF-style: chr17-17699057-T-C.
Other names: c.2795T>C (NM_030665.3); short protein forms V932A.
Identifiers: ClinVar variation 2896670 (VCV002896670.5), dbSNP rs757041507, ClinGen allele CA8418611.